The following is an entry in ClinVar:

NM_000352.6(ABCC8):c.4178G>T (p.Arg1393Leu)

Gene: ABCC8 (ATP binding cassette subfamily C member 8; minus strand). Cytogenetic location: 11p15.1.
Variant type: single nucleotide variant.
Coding change: c.4178G>T on transcript NM_000352.6 (MANE Select); coding-DNA position 4178, G replaced by T.
Protein change: p.Arg1393Leu; replaces arginine 1393 with leucine.
Molecular consequence: missense variant. On other transcripts: non-coding transcript variant (1).
Genome position (GRCh38, 1-based): chr11:17,395,872, C>A on the plus strand (G>T on the coding strand, the complement: ABCC8 is on the minus strand). VCF-style: chr11-17395872-C-A. GRCh37 (hg19) VCF-style: chr11-17417419-C-A.
Other names: c.4181G>T, p.Arg1394Leu (NM_001287174.3); c.4244G>T, p.Arg1415Leu (NM_001351295.2); c.4178G>T, p.Arg1393Leu (NM_001351296.2); c.4175G>T, p.Arg1392Leu (NM_001351297.2); c.4178G>T (NM_000352.4); short protein forms R1392L, R1415L, R1394L, R1393L.
Identifiers: ClinVar variation 2137009 (VCV002137009.6), dbSNP rs769279368, ClinGen allele CA379787897.
Genomic context (GRCh38, chr11:17,395,872, plus strand): 5'-TGGCTGTGGGTACACGTGGGGTGCCCGCCTTACAACTCACCTTCGAACGTGTCCACCATG[C>A]GGAAGAAGGCAAGAGAGAAGGAGGACTTCCCACTGCCGGTGCGGCCGCAGATCCCGATCT-3'
Protein context (NP_000343.2, residues 1383-1403): GKSSFSLAFF[Arg1393Leu]MVDTFEGHII

ClinVar aggregate classification (germline): Pathogenic/Likely pathogenic. Review status: criteria provided, multiple submitters, no conflicts (2 of 4 stars). 2 submissions from 2 submitters: Pathogenic (1); Likely pathogenic (1). Last evaluated 2025-12-02.

Conditions:
Hereditary hyperinsulinism.

gnomAD v4.1: 4 of 1,587,092 alleles (0.00025%); highest among the groups gnomAD compares: African/African-American, 0.0027%; no homozygotes.

Submissions (2):

Natera, Inc.
Classification: Likely pathogenic for Hereditary hyperinsulinism. Last evaluated: 2025-12-02. Review status: criteria provided, single submitter. Criteria: Natera Variant Classification Schema (03/2026). Collection method: clinical testing. Allele origin: germline.
Comment: The c.4178G>T variant in ABCC8 is a missense variant predicted to cause substitution of arginine to leucine at amino acid 1393. This variant is rare in the general population with a frequency below the threshold expected for the associated phenotype(s). This variant has been observed in one or more individuals affected with the associated recessive disease, as either homozygous or compound heterozygous with a second variant (PMID: 26180531, 28442472, 26208381). This variant has been identified in one or more affected individual with a phenotype highly consistent with the associated gene (PMID: 26180531, 26208381). Computational prediction algorithms indicate this variant is likely to affect gene or protein function. Given the available evidence, this variant is classified as Likely Pathogenic.

Labcorp Genetics (formerly Invitae), Labcorp
Classification: Pathogenic. Last evaluated: 2023-12-28. Review status: criteria provided, single submitter. Criteria: Invitae Variant Classification Sherloc (09022015). Collection method: clinical testing. Allele origin: germline.
Comment: This sequence change replaces arginine, which is basic and polar, with leucine, which is neutral and non-polar, at codon 1393 of the ABCC8 protein (p.Arg1393Leu). This variant is not present in population databases (gnomAD no frequency). This missense change has been observed in individual(s) with autosomal recessive hyperinsulinism (PMID: 26180531, 26208381). ClinVar contains an entry for this variant (Variation ID: 2137009). Advanced modeling of protein sequence and biophysical properties (such as structural, functional, and spatial information, amino acid conservation, physicochemical variation, residue mobility, and thermodynamic stability) performed at Invitae indicates that this missense variant is expected to disrupt ABCC8 protein function with a positive predictive value of 95%. This variant disrupts the p.Arg1393 amino acid residue in ABCC8. Other variant(s) that disrupt this residue have been determined to be pathogenic (Invitae). This suggests that this residue is clinically significant, and that variants that disrupt this residue are likely to be disease-causing. For these reasons, this variant has been classified as Pathogenic.

Literature cited by the submitters: PubMed 26180531 (cited by Natera, Inc. and Labcorp Genetics (formerly Invitae), Labcorp); PubMed 28442472 (cited by Natera, Inc.); PubMed 26208381 (cited by Natera, Inc. and Labcorp Genetics (formerly Invitae), Labcorp).